The following is an entry in ClinVar:

ClinVar aggregate classification (germline): Pathogenic/Likely pathogenic. Review status: criteria provided, multiple submitters, no conflicts (2 of 4 stars). 4 submissions from 4 submitters: Pathogenic (2); Likely pathogenic (1). 1 of the submissions does not count toward it. Last evaluated 2024-06-24.

Conditions:
Multiple myeloma (MM). Also called: Multiple myeloma, somatic; Plasma cell myeloma. Identifiers: Orphanet 29073, Orphanet 85443, MedGen C0026764, MeSH D009101, MONDO:0009693, OMIM 254500, HP:0006775.
DNA ligase IV deficiency. Identifiers: Orphanet 99812, MedGen C1847827, MONDO:0011686, OMIM 606593.

Allele frequency attached by ClinVar (database versions not stated): TOPMed below 0.00001; gnomAD 0.00001; gnomAD exomes 0.00001.
gnomAD v4.1: 16 of 1,613,954 alleles (0.00099%); highest among the groups gnomAD compares: Middle Eastern, 0.016%; no homozygotes.

Submissions (4):

Fulgent Genetics
Classification: Likely pathogenic for Multiple myeloma; DNA ligase IV deficiency. Last evaluated: 2024-06-24. Review status: criteria provided, single submitter. Criteria: ACMG Guidelines, 2015. Collection method: clinical testing. Allele origin: germline.

Labcorp Genetics (formerly Invitae), Labcorp
Classification: Pathogenic for DNA ligase IV deficiency. Last evaluated: 2023-12-03. Review status: criteria provided, single submitter. Criteria: Invitae Variant Classification Sherloc (09022015). Collection method: clinical testing. Allele origin: germline.
Comment: This sequence change creates a premature translational stop signal (p.Arg580*) in the LIG4 gene. While this is not anticipated to result in nonsense mediated decay, it is expected to disrupt the last 332 amino acid(s) of the LIG4 protein. This variant is present in population databases (rs104894418, gnomAD 0.003%). This premature translational stop signal has been observed in individual(s) with LIG4-related conditions (PMID: 11779494). In at least one individual the data is consistent with being in trans (on the opposite chromosome) from a pathogenic variant. ClinVar contains an entry for this variant (Variation ID: 7672). Algorithms developed to predict the effect of variants on protein structure and function are not available or were not evaluated for this variant. Experimental studies have shown that this premature translational stop signal affects LIG4 function (PMID: 15333585, 23337116). This variant disrupts a region of the LIG4 protein in which other variant(s) (p.Arg814*) have been determined to be pathogenic (PMID: 1779494, 5333585, 16088910, 24123394, 24892279, 25239263, 27063650, 27612988). This suggests that this is a clinically significant region of the protein, and that variants that disrupt it are likely to be disease-causing. For these reasons, this variant has been classified as Pathogenic.

CeGaT Center for Human Genetics Tuebingen
Classification: Pathogenic. Last evaluated: 2017-02-01. Review status: criteria provided, single submitter. Criteria: CeGaT Center For Human Genetics Tuebingen Variant Classification Criteria Version 2. Collection method: clinical testing. Allele origin: germline. Affected: yes. Observed: 1 variant allele.

OMIM
Classification: Pathogenic for LIG4 SYNDROME. Last evaluated: 2001-12-01. Review status: no assertion criteria provided. Collection method: literature only. Allele origin: germline. Not counted in ClinVar's aggregate classification.

Literature cited by the submitters: PubMed 11779494 (cited by Labcorp Genetics (formerly Invitae), Labcorp and OMIM); PubMed 15333585 (cited by Labcorp Genetics (formerly Invitae), Labcorp); PubMed 23337116 (cited by Labcorp Genetics (formerly Invitae), Labcorp); PubMed 1779494 (cited by Labcorp Genetics (formerly Invitae), Labcorp); PubMed 5333585 (cited by Labcorp Genetics (formerly Invitae), Labcorp); PubMed 16088910 (cited by Labcorp Genetics (formerly Invitae), Labcorp); PubMed 24123394 (cited by Labcorp Genetics (formerly Invitae), Labcorp); PubMed 24892279 (cited by Labcorp Genetics (formerly Invitae), Labcorp); PubMed 25239263 (cited by Labcorp Genetics (formerly Invitae), Labcorp); PubMed 27063650 (cited by Labcorp Genetics (formerly Invitae), Labcorp); PubMed 27612988 (cited by Labcorp Genetics (formerly Invitae), Labcorp).

NM_206937.2(LIG4):c.1738C>T (p.Arg580Ter)

Gene: LIG4 (DNA ligase 4; minus strand). Cytogenetic location: 13q33.3.
Variant type: single nucleotide variant.
Coding change: c.1738C>T on transcript NM_206937.2 (MANE Select); coding-DNA position 1738, C replaced by T.
Protein change: p.Arg580Ter; replaces arginine 580 with a stop codon.
Molecular consequence: nonsense.
Genome position (GRCh38, 1-based): chr13:108,209,531, G>A on the plus strand (C>T on the coding strand, the complement: LIG4 is on the minus strand). VCF-style: chr13-108209531-G-A. GRCh37 (hg19) VCF-style: chr13-108861879-G-A.
Other names: c.1738C>T, p.Arg580Ter (NM_001098268.2, NM_001352598.2, NM_001352599.2 and 6 more transcripts); c.1537C>T, p.Arg513Ter (NM_001330595.2); c.1774C>T, p.Arg592Ter (NM_001352604.2); short protein forms R580*, R513*, R592*.
Identifiers: ClinVar variation 7672 (VCV000007672.46), dbSNP rs104894418, ClinGen allele CA118972.
Genomic context (GRCh38, chr13:108,209,531, plus strand): 5'-CTAGGTCGTCCAGGGTCATGCACTCATGCCACTCCTTGTCATCTCTTATCTTTTCAATTC[G>A]TGGAAAACGCAAGGTGCAGCCAGTTTTATACATATCACTGGGTACGATCTCTGCTGCTTT-3'